The following is an entry in ClinVar:

NM_004484.4(GPC3):c.769A>T (p.Thr257Ser)

Gene: GPC3 (glypican 3; minus strand). Cytogenetic location: Xq26.2.
Variant type: single nucleotide variant.
Coding change: c.769A>T on transcript NM_004484.4 (MANE Select); coding-DNA position 769, A replaced by T.
Protein change: p.Thr257Ser; replaces threonine 257 with serine.
Molecular consequence: missense variant.
Genome position (GRCh38, 1-based): chrX:133,753,745, T>A on the plus strand (A>T on the coding strand, the complement: GPC3 is on the minus strand). VCF-style: chrX-133753745-T-A. GRCh37 (hg19) VCF-style: chrX-132887772-T-A.
Other names: c.769A>T, p.Thr257Ser (NM_001164617.2); c.721A>T, p.Thr241Ser (NM_001164618.2); c.607A>T, p.Thr203Ser (NM_001164619.2); short protein forms T257S, T241S, T203S.
Identifiers: ClinVar variation 2711914 (VCV002711914.3), dbSNP rs2521355046, ClinGen allele CA414705897.
Genomic context (GRCh38, chrX:133,753,745, plus strand): 5'-AACCGCCACAGGGTTTAACCATCATCAGTCCCTGGCAGTAAGAGCAGTACCACATTCTGG[T>A]GAGCATTCGGCCACAGTCCTTACTGAACTTCAGGTGATCAGTTGTGTTGATCACTTCAAT-3'
Protein context (NP_004475.1, residues 247-267): KFSKDCGRML[Thr257Ser]RMWYCSYCQG

ClinVar aggregate classification (germline): Uncertain significance (1 of 4 stars; one submission).

Conditions:
Wilms tumor 1 (WT1). Also called: Wilms tumor, somatic. Identifiers: Orphanet 654, MedGen CN033288, MONDO:0008679, OMIM 194070.

Submission:

Labcorp Genetics (formerly Invitae), Labcorp
Classification: Uncertain significance for Wilms tumor 1. Last evaluated: 2023-08-06. Review status: criteria provided, single submitter. Criteria: Invitae Variant Classification Sherloc (09022015). Collection method: clinical testing. Allele origin: germline.
Comment: This sequence change replaces threonine, which is neutral and polar, with serine, which is neutral and polar, at codon 257 of the GPC3 protein (p.Thr257Ser). This variant is not present in population databases (gnomAD no frequency). This variant has not been reported in the literature in individuals affected with GPC3-related conditions. Advanced modeling of protein sequence and biophysical properties (such as structural, functional, and spatial information, amino acid conservation, physicochemical variation, residue mobility, and thermodynamic stability) performed at Invitae indicates that this missense variant is not expected to disrupt GPC3 protein function. In summary, the available evidence is currently insufficient to determine the role of this variant in disease. Therefore, it has been classified as a Variant of Uncertain Significance.